The following is an entry in ClinVar:

NM_017534.6(MYH2):c.2707G>A (p.Gly903Ser)

Genes: MYHAS (myosin heavy chain gene cluster antisense RNA; plus strand), MYH2 (myosin heavy chain 2; minus strand). Cytogenetic location: 17p13.1.
Variant type: single nucleotide variant.
Coding change: c.2707G>A on transcript NM_017534.6 (MANE Select); coding-DNA position 2707, G replaced by A.
Protein change: p.Gly903Ser; replaces glycine 903 with serine.
Molecular consequence: missense variant.
Genome position (GRCh38, 1-based): chr17:10,530,065, C>T on the plus strand (G>A on the coding strand, the complement: MYH2 is on the minus strand). VCF-style: chr17-10530065-C-T. GRCh37 (hg19) VCF-style: chr17-10433382-C-T.
Other names: c.2707G>A, p.Gly903Ser (NM_001100112.2); c.2707G>A (NM_017534.5); short protein forms G903S.
Identifiers: ClinVar variation 1054137 (VCV001054137.6), dbSNP rs755189388, ClinGen allele CA8391071.

ClinVar aggregate classification (germline): Uncertain significance. Review status: criteria provided, multiple submitters, no conflicts (2 of 4 stars). 2 submissions from 2 submitters: Uncertain significance (2). Last evaluated 2025-04-11.

Conditions:
Myopathy, proximal, and ophthalmoplegia (CMYO6). Also called: MYOPATHY WITH CONGENITAL JOINT CONTRACTURES, OPHTHALMOPLEGIA, AND RIMMED VACUOLES; INCLUSION BODY MYOPATHY 3, AUTOSOMAL DOMINANT; CONGENITAL MYOPATHY 6 WITH OPHTHALMOPLEGIA. Identifiers: Orphanet 363677, Orphanet 79091, MedGen C1854106, MONDO:0011577, OMIM 605637.

Allele frequency attached by ClinVar (database versions not stated): TOPMed 0.00001; ExAC 0.00002; gnomAD exomes 0.00002 and 0.00003.
gnomAD v4.1: 47 of 1,614,224 alleles (0.0029%); highest among the groups gnomAD compares: Non-Finnish European, 0.0038%; no homozygotes.

Submissions (2):

Labcorp Genetics (formerly Invitae), Labcorp
Classification: Uncertain significance for Myopathy, proximal, and ophthalmoplegia. Last evaluated: 2025-04-11. Review status: criteria provided, single submitter. Criteria: Invitae Variant Classification Sherloc (09022015). Collection method: clinical testing. Allele origin: germline.
Comment: This sequence change replaces glycine, which is neutral and non-polar, with serine, which is neutral and polar, at codon 903 of the MYH2 protein (p.Gly903Ser). This variant is present in population databases (rs755189388, gnomAD 0.004%). This variant has not been reported in the literature in individuals affected with MYH2-related conditions. ClinVar contains an entry for this variant (Variation ID: 1054137). Invitae Evidence Modeling of protein sequence and biophysical properties (such as structural, functional, and spatial information, amino acid conservation, physicochemical variation, residue mobility, and thermodynamic stability) indicates that this missense variant is not expected to disrupt MYH2 protein function with a negative predictive value of 80%. In summary, the available evidence is currently insufficient to determine the role of this variant in disease. Therefore, it has been classified as a Variant of Uncertain Significance.

GeneDx
Classification: Uncertain significance. Last evaluated: 2023-05-30. Review status: criteria provided, single submitter. Criteria: GeneDx Variant Classification Process June 2021. Collection method: clinical testing. Allele origin: germline. Affected: yes.
Comment: Not observed at significant frequency in large population cohorts (gnomAD); In silico analysis supports that this missense variant does not alter protein structure/function; Has not been previously published as pathogenic or benign to our knowledge